The following is an entry in ClinVar:

NM_001122630.2(CDKN1C):c.218G>A (p.Ser73Asn)

Gene: CDKN1C (cyclin dependent kinase inhibitor 1C; minus strand). Cytogenetic location: 11p15.4.
Variant type: single nucleotide variant.
Coding change: c.218G>A on transcript NM_001122630.2 (MANE Select); coding-DNA position 218, G replaced by A.
Protein change: p.Ser73Asn; replaces serine 73 with asparagine.
Molecular consequence: missense variant.
Genome position (GRCh38, 1-based): chr11:2,885,239, C>T on the plus strand (G>A on the coding strand, the complement: CDKN1C is on the minus strand). VCF-style: chr11-2885239-C-T. GRCh37 (hg19) VCF-style: chr11-2906469-C-T.
Other names: c.251G>A, p.Ser84Asn (NM_000076.2, NM_001362474.2); c.218G>A, p.Ser73Asn (NM_001122631.2, NM_001362475.2); short protein forms S84N, S73N.
Identifiers: ClinVar variation 1042113 (VCV001042113.6), dbSNP rs1848970951, ClinGen allele CA379147221.
Genomic context (GRCh38, chr11:2,885,239, plus strand): 5'-AGCAGCAGGCGGCAGCGCCCCACCTGCACCGTCTCGCGGTAGAACGCGGGCACCGAGTCG[C>T]TGTCCACTTCGGTCCACTGCAGGCGTCCAGGGCCCCGCAGCGGCATGTCCTGCTGGAAGT-3'
Protein context (NP_001116102.1, residues 63-83): PGRLQWTEVD[Ser73Asn]DSVPAFYRET

ClinVar aggregate classification (germline): Uncertain significance (1 of 4 stars; one submission).

Conditions:
Beckwith-Wiedemann syndrome (BWS). Also called: Exomphalos macroglossia gigantism syndrome; EMG SYNDROME. Identifiers: Orphanet 116, MedGen C0004903, MONDO:0007534, OMIM 130650.

Submission:

Labcorp Genetics (formerly Invitae), Labcorp
Classification: Uncertain significance for Beckwith-Wiedemann syndrome. Last evaluated: 2025-02-25. Review status: criteria provided, single submitter. Criteria: Invitae Variant Classification Sherloc (09022015). Collection method: clinical testing. Allele origin: germline.
Comment: This sequence change replaces serine, which is neutral and polar, with asparagine, which is neutral and polar, at codon 84 of the CDKN1C protein (p.Ser84Asn). This variant is not present in population databases (gnomAD no frequency). This variant has not been reported in the literature in individuals affected with CDKN1C-related conditions. ClinVar contains an entry for this variant (Variation ID: 1042113). Invitae Evidence Modeling of protein sequence and biophysical properties (such as structural, functional, and spatial information, amino acid conservation, physicochemical variation, residue mobility, and thermodynamic stability) indicates that this missense variant is not expected to disrupt CDKN1C protein function with a negative predictive value of 80%. In summary, the available evidence is currently insufficient to determine the role of this variant in disease. Therefore, it has been classified as a Variant of Uncertain Significance.